The following is an entry in ClinVar:

NM_206933.4(USH2A):c.4133T>C (p.Leu1378Pro)

Genes: USH2A (usherin; minus strand), USH2A-AS1 (USH2A antisense RNA 1; plus strand). Cytogenetic location: 1q41.
Variant type: single nucleotide variant.
Coding change: c.4133T>C on transcript NM_206933.4 (MANE Select); coding-DNA position 4133, T replaced by C.
Protein change: p.Leu1378Pro; replaces leucine 1378 with proline.
Molecular consequence: missense variant.
Genome position (GRCh38, 1-based): chr1:216,196,671, A>G on the plus strand (T>C on the coding strand, the complement: USH2A is on the minus strand). VCF-style: chr1-216196671-A-G. GRCh37 (hg19) VCF-style: chr1-216370013-A-G.
Other names: c.4133T>C, p.Leu1378Pro (NM_007123.6); short protein forms L1378P.
Identifiers: ClinVar variation 866375 (VCV000866375.34), dbSNP rs2034852728, ClinGen allele CA344866571.

ClinVar aggregate classification (germline): Pathogenic/Likely pathogenic. Review status: criteria provided, multiple submitters, no conflicts (2 of 4 stars). 7 submissions from 7 submitters: Pathogenic (5); Likely pathogenic (2). Last evaluated 2024-10-09.

Conditions:
Usher syndrome. Also called: Usher's syndrome; Usher Syndromes. Identifiers: Orphanet 886, MedGen CN469326, MeSH D052245, MONDO:0019501. Disease mechanism: loss of function.
Retinal dystrophy. Also called: Inherited retinal dystrophy. Identifiers: Orphanet 71862, MedGen C0854723, MeSH D058499, MONDO:0019118, HP:0000556.
Retinitis pigmentosa 39 (RP39). Identifiers: Orphanet 791, MedGen C3151138, MONDO:0013436, OMIM 613809.
USH2A-related disorder. Also called: USH2A-related condition; USH2A-related disorders. Identifiers: MedGen CN239332.
Usher syndrome type 2A. Also called: RETINAL DISEASE IN USHER SYNDROME TYPE IIA, MODIFIER OF; USHER SYNDROME, TYPE IIA. Identifiers: Orphanet 231178, Orphanet 886, MedGen C1848634, MONDO:0010169, OMIM 276901.

Allele frequency attached by ClinVar (database versions not stated): gnomAD exomes 0.00001.
gnomAD v4.1: 13 of 1,613,522 alleles (0.00081%); highest among the groups gnomAD compares: Non-Finnish European, 0.0011%; no homozygotes.

Submissions (7):

Victorian Clinical Genetics Services, Murdoch Childrens Research Institute
Classification: Likely pathogenic for Usher syndrome type 2A. Last evaluated: 2024-10-09. Review status: criteria provided, single submitter. Criteria: ACMG Guidelines, 2015. Collection method: clinical testing. Allele origin: germline. Inheritance: Autosomal recessive inheritance. Affected: yes.
Comment: Based on the classification scheme VCGS_Germline_v1.3.4, this variant is classified as Likely pathogenic. Following criteria are met: 0102 - Loss of function is a known mechanism of disease in this gene and is associated with Usher syndrome, type 2A (MIM#276901) and retinitis pigmentosa (RP; MIM# 6138093). Null variants are associated with Usher syndrome while homozygous missense which lead to partially functional proteins typically causes non-syndromic RP (PMID: 20301515). (I) 0106 - This gene is associated with autosomal recessive disease. (I) 0200 - Variant is predicted to result in a missense amino acid change from leucine to proline. (I) 0251 - This variant is heterozygous. (I) 0301 - Variant is absent from gnomAD (both v2 and v3). (SP) 0502 - Missense variant with conflicting in silico predictions and uninformative conservation. (I) 0600 - Variant is located in the annotated fibronectin type 3 domain (DECIPHER). (I) 0705 - No comparable missense variants have previous evidence for pathogenicity. (I) 0801 - This variant has strong previous evidence of pathogenicity in unrelated individuals. This variant has been reported as likely pathogenic/pathogenic by four clinical laboratories in ClinVar and has also been reported as probably pathogenic in a patient with Usher syndrome type 2 (PMID: 22135276, Deafness Variation Database). It has also been reported in two unrelated individuals with USH2A-related features who each have a second variant in the USH2A gene, however, phasing of these variants is unclear (PMIDs: 36785559, 36011334). (SP) 0905 - No published segregation evidence has been identified for this variant. (I) 1007 - No published functional evidence has been identified for this variant. (I) 1208 - Inheritance information for this variant is not currently available in this individual. (I) Legend: (SP) - Supporting pathogenic, (I) - Information, (SB) - Supporting benign

CeGaT Center for Human Genetics Tuebingen
Classification: Pathogenic. Last evaluated: 2024-09-01. Review status: criteria provided, single submitter. Criteria: CeGaT Center For Human Genetics Tuebingen Variant Classification Criteria Version 2. Collection method: clinical testing. Allele origin: germline. Affected: yes. Observed: 2 variant alleles.
Comment: USH2A: PM3:Very Strong, PM2

Labcorp Genetics (formerly Invitae), Labcorp
Classification: Pathogenic. Last evaluated: 2024-04-20. Review status: criteria provided, single submitter. Criteria: Invitae Variant Classification Sherloc (09022015). Collection method: clinical testing. Allele origin: germline.
Comment: This sequence change replaces leucine, which is neutral and non-polar, with proline, which is neutral and non-polar, at codon 1378 of the USH2A protein (p.Leu1378Pro). This variant is not present in population databases (gnomAD no frequency). This missense change has been observed in individual(s) with Usher syndrome or retinitis pigmentosa (PMID: 22135276, 26927203, 36011334, 36785559). ClinVar contains an entry for this variant (Variation ID: 866375). Advanced modeling of protein sequence and biophysical properties (such as structural, functional, and spatial information, amino acid conservation, physicochemical variation, residue mobility, and thermodynamic stability) has been performed at Invitae for this missense variant, however the output from this modeling did not meet the statistical confidence thresholds required to predict the impact of this variant on USH2A protein function. For these reasons, this variant has been classified as Pathogenic.

Baylor Genetics
Classification: Pathogenic for Retinitis pigmentosa 39. Last evaluated: 2024-03-20. Review status: criteria provided, single submitter. Criteria: ACMG Guidelines, 2015. Collection method: clinical testing. Allele origin: unknown.

Women's Health and Genetics/Laboratory Corporation of America, LabCorp
Classification: Pathogenic for Usher syndrome. Last evaluated: 2023-07-26. Review status: criteria provided, single submitter. Criteria: LabCorp Variant Classification Summary - May 2015. Collection method: clinical testing. Allele origin: germline.
Comment: Variant summary: USH2A c.4133T>C (p.Leu1378Pro) results in a non-conservative amino acid change located in the Fibronectin type III domain (IPR003961) of the encoded protein sequence. Five of five in-silico tools predict a damaging effect of the variant on protein function. The variant was absent in 250742 control chromosomes. c.4133T>C has been reported in the literature in multiple compound heterozygous individuals affected with clinical features of Usher Syndrome (e.g., Baux_2014, Pierrache_2016, Feenstra_2022, Comander_2017, Le Quesne Stabej_2012). These data indicate that the variant is very likely to be associated with disease. To our knowledge, no experimental evidence demonstrating an impact on protein function has been reported. The following publications have been ascertained in the context of this evaluation (PMID: 24944099, 28981474, 36011334, 22135276, 26927203). Three submitters have cited clinical-significance assessments for this variant to ClinVar after 2014; one submitter classified the variant as a variant of uncertain significance, one classified it as likely pathogenic, and one cliassified it as pathogenic. Based on the evidence outlined above, the variant was classified as pathogenic.

Blueprint Genetics
Classification: Pathogenic for USH2A-related disorders. Last evaluated: 2022-09-26. Review status: criteria provided, single submitter. Criteria: ACMG Guidelines, 2015. Collection method: clinical testing. Allele origin: germline. Affected: yes. Observed: 5 variant alleles.

Institute of Human Genetics, Univ. Regensburg, Univ. Regensburg
Classification: Likely pathogenic for Retinal dystrophy. Last evaluated: 2021-01-01. Review status: criteria provided, single submitter. Criteria: ACMG Guidelines, 2015. Collection method: clinical testing. Allele origin: germline. Affected: yes.

Literature cited by the submitters: PubMed 20301515 (cited by Victorian Clinical Genetics Services, Murdoch Childrens Research Institute); PubMed 22135276 (cited by 4 submitters); PubMed 36011334 (cited by 4 submitters); PubMed 36785559 (cited by 3 submitters); PubMed 26927203 (cited by 3 submitters); PubMed 28981474 (cited by Women's Health and Genetics/Laboratory Corporation of America, LabCorp and Institute of Human Genetics, Univ. Regensburg, Univ. Regensburg); PubMed 24944099 (cited by Women's Health and Genetics/Laboratory Corporation of America, LabCorp).